The following is an entry in ClinVar:

ClinVar aggregate classification (germline): Likely benign (0 of 4 stars; one submission).

Conditions:
KNL1-related disorder. Also called: KNL1-related condition.

Allele frequency attached by ClinVar (database versions not stated): ExAC 0.00003; gnomAD 0.00004; TOPMed 0.00005; ESP Exome Variant Server 0.00008.
gnomAD v4.1: 41 of 1,613,552 alleles (0.0025%); highest among the groups gnomAD compares: South Asian, 0.012%; no homozygotes.

Submission:

PreventionGenetics, part of Exact Sciences
Classification: Likely benign for KNL1-related condition. Last evaluated: 2019-05-21. Review status: no assertion criteria provided. Collection method: clinical testing. Allele origin: germline.
Comment: This variant is classified as likely benign based on ACMG/AMP sequence variant interpretation guidelines (Richards et al. 2015 PMID: 25741868, with internal and published modifications).

NM_144508.5(KNL1):c.3294C>T (p.Asn1098=)

Gene: KNL1 (kinetochore scaffold 1; plus strand). Cytogenetic location: 15q15.1.
Variant type: single nucleotide variant.
Coding change: c.3294C>T on transcript NM_144508.5 (MANE Select); coding-DNA position 3294, C replaced by T.
Protein change: p.Asn1098=; no amino-acid change (asparagine 1098 retained).
Molecular consequence: synonymous variant.
Genome position (GRCh38, 1-based): chr15:40,623,558, C>T. VCF-style: chr15-40623558-C-T. GRCh37 (hg19) VCF-style: chr15-40915756-C-T.
Other names: c.3372C>T, p.Asn1124= (NM_170589.5).
Identifiers: ClinVar variation 3039295 (VCV003039295.2), dbSNP rs372010989, ClinGen allele CA7482991.